The following is an entry in ClinVar:

NM_206933.4(USH2A):c.3551T>C (p.Leu1184Ser)

Genes: USH2A (usherin; minus strand), USH2A-AS1 (USH2A antisense RNA 1; plus strand). Cytogenetic location: 1q41.
Variant type: single nucleotide variant.
Coding change: c.3551T>C on transcript NM_206933.4 (MANE Select); coding-DNA position 3551, T replaced by C.
Protein change: p.Leu1184Ser; replaces leucine 1184 with serine.
Molecular consequence: missense variant.
Genome position (GRCh38, 1-based): chr1:216,199,887, A>G on the plus strand (T>C on the coding strand, the complement: USH2A is on the minus strand). VCF-style: chr1-216199887-A-G. GRCh37 (hg19) VCF-style: chr1-216373229-A-G.
Other names: c.3551T>C, p.Leu1184Ser (NM_007123.6); short protein forms L1184S.
Identifiers: ClinVar variation 4990624 (VCV004990624.1).
Genomic context (GRCh38, chr1:216,199,887, plus strand): 5'-GAGGTTTCATGACCTTCGTAGGAAACACATGGCTGACCACCAGCCAAAGGGGCACAGGAC[A>G]AAATATATTTCTCTATGGGACCAGATTGATTTGAGAGTGTTGTCCAGGTAAGTGTCACAG-3'
Protein context (NP_996816.3, residues 1174-1194): NQSGPIEKYI[Leu1184Ser]SCAPLAGGQP

ClinVar aggregate classification (germline): Uncertain significance (1 of 4 stars; one submission).

Conditions:
USH2A-related disorder. Also called: USH2A-related disorders; USH2A-related condition. Identifiers: MedGen CN239332.

Submission:

PreventionGenetics, part of Exact Sciences
Classification: Uncertain significance for USH2A-related condition. Last evaluated: 2026-07-28. Review status: criteria provided, single submitter. Criteria: ACMG Guidelines, 2015. Collection method: clinical testing. Allele origin: germline.
Comment: The USH2A c.3551T>C variant is predicted to result in the amino acid substitution p.Leu1184Ser. To our knowledge, this variant has not been reported in the literature or in a large population database (gnomAD), indicating this variant is rare. At this time, the clinical significance of this variant is uncertain due to the absence of conclusive functional and genetic evidence.